The following is an entry in ClinVar:

NC_000016.10:g.67660300A>G

Gene: ACD (ACD shelterin complex subunit and telomerase recruitment factor; minus strand). Cytogenetic location: 16q22.1.
Variant type: single nucleotide variant.
Genome position: GRCh38 VCF-style: chr16-67660300-A-G. GRCh37 (hg19) VCF-style: chr16-67694203-A-G.
Other names: short protein forms L60P.
Identifiers: ClinVar variation 1780343 (VCV001780343.6), dbSNP rs753367228, ClinGen allele CA283218803.

ClinVar aggregate classification (germline): Uncertain significance. Review status: criteria provided, multiple submitters, no conflicts (2 of 4 stars). 2 submissions from 2 submitters: Uncertain significance (2). Last evaluated 2024-03-15.

Conditions:
Dyskeratosis congenita, autosomal dominant 6 (DKCA6). Identifiers: Orphanet 3322, MedGen C4225284, MONDO:0014690, OMIM 616553.
Inborn genetic diseases. Identifiers: MedGen C0950123, MeSH D030342.

Submissions (2):

Ambry Genetics
Classification: Uncertain significance for Inborn genetic diseases. Last evaluated: 2024-03-15. Review status: criteria provided, single submitter. Criteria: Ambry Variant Classification Scheme 2023. Collection method: clinical testing. Allele origin: germline.
Comment: The p.L60P variant (also known as c.179T>C), located in coding exon 1 of the ACD gene, results from a T to C substitution at nucleotide position 179. The leucine at codon 60 is replaced by proline, an amino acid with similar properties. This amino acid position is conserved. In addition, the in silico prediction for this alteration is inconclusive. Since supporting evidence is limited at this time, the clinical significance of this alteration remains unclear.

Labcorp Genetics (formerly Invitae), Labcorp
Classification: Uncertain significance for Dyskeratosis congenita, autosomal dominant 6. Last evaluated: 2021-12-11. Review status: criteria provided, single submitter. Criteria: Invitae Variant Classification Sherloc (09022015). Collection method: clinical testing. Allele origin: germline.
Comment: In summary, the available evidence is currently insufficient to determine the role of this variant in disease. Therefore, it has been classified as a Variant of Uncertain Significance. Algorithms developed to predict the effect of missense changes on protein structure and function (SIFT, PolyPhen-2, Align-GVGD) all suggest that this variant is likely to be tolerated. This variant has not been reported in the literature in individuals affected with ACD-related conditions. This variant is present in population databases (no rsID available, gnomAD 0.004%). This sequence change replaces leucine, which is neutral and non-polar, with proline, which is neutral and non-polar, at codon 60 of the ACD protein (p.Leu60Pro).